The following is an entry in ClinVar:

NM_152296.5(ATP1A3):c.2153C>A (p.Ala718Asp)

Gene: ATP1A3 (ATPase Na+/K+ transporting subunit alpha 3; minus strand). Cytogenetic location: 19q13.2.
Variant type: single nucleotide variant.
Coding change: c.2153C>A on transcript NM_152296.5 (MANE Select); coding-DNA position 2153, C replaced by A.
Protein change: p.Ala718Asp; replaces alanine 718 with aspartic acid.
Molecular consequence: missense variant.
Genome position (GRCh38, 1-based): chr19:41,975,739, G>T on the plus strand (C>A on the coding strand, the complement: ATP1A3 is on the minus strand). VCF-style: chr19-41975739-G-T. GRCh37 (hg19) VCF-style: chr19-42479891-G-T.
Other names: c.2186C>A, p.Ala729Asp (NM_001256213.2); c.2192C>A, p.Ala731Asp (NM_001256214.2); short protein forms A718D, A729D, A731D.
Identifiers: ClinVar variation 998782 (VCV000998782.9), dbSNP rs2075158829, ClinGen allele CA406042065.
Genomic context (GRCh38, chr19:41,975,739, plus strand): 5'-ATGTCAGCTGCCTGCTTGGAGACGTCAGAGCCAGCGATGCCCATGGCCACCCCAATGTCG[G>T]CCTTCTTCAGAGCGGGGGAGTCGTTCACACCATCCCCGGTCACAGCCACAATTGCACCCT-3'
Protein context (NP_689509.1, residues 708-728): GVNDSPALKK[Ala718Asp]DIGVAMGIAG

ClinVar aggregate classification (germline): Conflicting classifications of pathogenicity. Review status: criteria provided, conflicting classifications (1 of 4 stars). 2 submissions from 2 submitters: Pathogenic (1); Uncertain significance (1). Last evaluated 2025-05-27.

Conditions:
Alternating hemiplegia of childhood 2 (AHC2). Also called: Alternating Hemiplegia of Childhood (AHC). Identifiers: Orphanet 2131, MedGen C3553788, MONDO:0013900, OMIM 614820.
Dystonia 12 (DYT12). Also called: Rapid-Onset Dystonia-Parkinsonism (RDP); DYT-ATP1A3. Identifiers: Orphanet 71517, MedGen C1868681, MONDO:0007496, OMIM 128235.

Submissions (2):

Labcorp Genetics (formerly Invitae), Labcorp
Classification: Pathogenic for Dystonia 12. Last evaluated: 2025-05-27. Review status: criteria provided, single submitter. Criteria: Invitae Variant Classification Sherloc (09022015). Collection method: clinical testing. Allele origin: germline.
Comment: This sequence change replaces alanine, which is neutral and non-polar, with aspartic acid, which is acidic and polar, at codon 718 of the ATP1A3 protein (p.Ala718Asp). This variant is not present in population databases (gnomAD no frequency). This missense change has been observed in individual(s) with clinical features of ATP1A3-related conditions (internal data). In at least one individual the variant was observed to be de novo. ClinVar contains an entry for this variant (Variation ID: 998782). Invitae Evidence Modeling of protein sequence and biophysical properties (such as structural, functional, and spatial information, amino acid conservation, physicochemical variation, residue mobility, and thermodynamic stability) indicates that this missense variant is expected to disrupt ATP1A3 protein function with a positive predictive value of 95%. For these reasons, this variant has been classified as Pathogenic.

3billion
Classification: Uncertain significance for Alternating hemiplegia of childhood 2. Last evaluated: 2023-08-26. Review status: criteria provided, single submitter. Criteria: ACMG Guidelines, 2015. Collection method: clinical testing. Allele origin: germline. Affected: yes.
Comment: The variant is not observed in the gnomAD v2.1.1 dataset. Predicted Consequence/Location: Missense changes are a common disease-causing mechanism. In silico tool predictions suggest damaging effect of the variant on gene or gene product [REVEL: 0.95 (>=0.6, sensitivity 0.68 and specificity 0.92); 3Cnet: NA (>=0.6, sensitivity 0.72 and precision 0.9)]. Therefore, this variant is classified as VUS according to the recommendation of ACMG/AMP guideline.